The following is an entry in ClinVar:

NM_000543.5(SMPD1):c.1486G>C (p.Gly496Arg)

Gene: SMPD1 (sphingomyelin phosphodiesterase 1; plus strand). Cytogenetic location: 11p15.4.
Variant type: single nucleotide variant.
Coding change: c.1486G>C on transcript NM_000543.5 (MANE Select); coding-DNA position 1486, G replaced by C.
Protein change: p.Gly496Arg; replaces glycine 496 with arginine.
Molecular consequence: missense variant. On other transcripts: non-coding transcript variant (2).
Genome position (GRCh38, 1-based): chr11:6,394,041, G>C. VCF-style: chr11-6394041-G-C. GRCh37 (hg19) VCF-style: chr11-6415271-G-C.
Other names: c.1483G>C, p.Gly495Arg (NM_001007593.3); c.1486G>C, p.Val496Leu (NM_001318087.2); c.565G>C, p.Gly189Arg (NM_001318088.2); c.1354G>C, p.Gly452Arg (NM_001365135.2); short protein forms G495R, G452R, G189R, G496R, V496L.
Identifiers: ClinVar variation 5003482 (VCV005003482.1).

ClinVar aggregate classification (germline): Uncertain significance (1 of 4 stars; one submission).

Conditions:
Acid sphingomyelinase deficiency. Identifiers: Orphanet 618899, MedGen C5243927, MONDO:0100464.

Submission:

Myriad Genetics, Inc.
Classification: Uncertain significance for Acid sphingomyelinase deficiency. Last evaluated: 2026-03-02. Review status: criteria provided, single submitter. Criteria: Myriad Autosomal Dominant, Autosomal Recessive and X-Linked Classification Criteria (2023). Collection method: clinical testing. Allele origin: unknown.
Comment: NM_000543.4(SMPD1):c.1486G>C(G496R) is a missense variant classified as a variant of uncertain significance in the context of Niemann-Pick disease, SMPD1-related. G496R has been observed in cases with relevant disease (PMID: 27884455, 34273913). Relevant functional assessments of this variant are not available in the literature. G496R has not been observed in referenced population frequency databases. In summary, there is insufficient evidence to classify NM_000543.4(SMPD1):c.1486G>C(G496R) as pathogenic or benign. Please note: this variant was assessed in the context of healthy population screening.

Literature cited by the submitters: PubMed 27884455; PubMed 34273913.